The following is an entry in ClinVar:

ClinVar aggregate classification (germline): Uncertain significance (1 of 4 stars; one submission).

Allele frequency attached by ClinVar (database versions not stated): gnomAD 0.00001; TOPMed 0.00001; ExAC 0.00002.
gnomAD v4.1: 7 of 1,613,486 alleles (0.00043%); highest among the groups gnomAD compares: Non-Finnish European, 0.00042%; no homozygotes.

Submission:

Labcorp Genetics (formerly Invitae), Labcorp
Classification: Uncertain significance. Last evaluated: 2021-08-28. Review status: criteria provided, single submitter. Criteria: Invitae Variant Classification Sherloc (09022015). Collection method: clinical testing. Allele origin: germline.
Comment: This sequence change replaces glutamine with lysine at codon 3955 of the PCLO protein (p.Gln3955Lys). The glutamine residue is moderately conserved and there is a small physicochemical difference between glutamine and lysine. This variant is present in population databases (rs776153166, ExAC 0.003%). This variant has not been reported in the literature in individuals affected with PCLO-related conditions. Algorithms developed to predict the effect of missense changes on protein structure and function are either unavailable or do not agree on the potential impact of this missense change (SIFT: "Deleterious"; PolyPhen-2: "Not Available"; Align-GVGD: "Class C0"). In summary, the available evidence is currently insufficient to determine the role of this variant in disease. Therefore, it has been classified as a Variant of Uncertain Significance.

NM_033026.6(PCLO):c.11863C>A (p.Gln3955Lys)

Gene: PCLO (piccolo presynaptic cytomatrix protein; minus strand). Cytogenetic location: 7q21.11.
Variant type: single nucleotide variant.
Coding change: c.11863C>A on transcript NM_033026.6 (MANE Select); coding-DNA position 11863, C replaced by A.
Protein change: p.Gln3955Lys; replaces glutamine 3955 with lysine.
Molecular consequence: missense variant.
Genome position (GRCh38, 1-based): chr7:82,916,123, G>T on the plus strand (C>A on the coding strand, the complement: PCLO is on the minus strand). VCF-style: chr7-82916123-G-T. GRCh37 (hg19) VCF-style: chr7-82545439-G-T.
Other names: c.11863C>A, p.Gln3955Lys (NM_014510.3); short protein forms Q3955K.
Identifiers: ClinVar variation 1396856 (VCV001396856.5), dbSNP rs776153166, ClinGen allele CA4319494.